The following is an entry in ClinVar:

NM_001111125.3(IQSEC2):c.1925C>T (p.Pro642Leu)

Gene: IQSEC2 (IQ motif and Sec7 domain ArfGEF 2; minus strand). Cytogenetic location: Xp11.22.
Variant type: single nucleotide variant.
Coding change: c.1925C>T on transcript NM_001111125.3 (MANE Select); coding-DNA position 1925, C replaced by T.
Protein change: p.Pro642Leu; replaces proline 642 with leucine.
Molecular consequence: missense variant.
Genome position (GRCh38, 1-based): chrX:53,250,651, G>A on the plus strand (C>T on the coding strand, the complement: IQSEC2 is on the minus strand). VCF-style: chrX-53250651-G-A. GRCh37 (hg19) VCF-style: chrX-53279833-G-A.
Other names: c.1925C>T, p.Pro642Leu (NM_001410736.1); c.1310C>T, p.Pro437Leu (NM_015075.2); c.1925C>T (NM_001111125.1); short protein forms P437L, P642L.
Identifiers: ClinVar variation 2093403 (VCV002093403.5), dbSNP rs2074371712, ClinGen allele CA413162821.

ClinVar aggregate classification (germline): Uncertain significance. Review status: criteria provided, multiple submitters, no conflicts (2 of 4 stars). 2 submissions from 2 submitters: Uncertain significance (2). Last evaluated 2023-02-10.

Conditions:
Intellectual developmental disorder, X-linked 1. Also called: Atkin Flaitz Patil Smith syndrome; Intellectual disability, X-linked 1; MENTAL RETARDATION, X-LINKED 18; MENTAL RETARDATION, X-LINKED 78. Identifiers: Orphanet 777, MedGen C2931498, MONDO:0010656, OMIM 309530.

Allele frequency attached by ClinVar (database versions not stated): TOPMed below 0.00001.
gnomAD v4.1: 2 of 1,209,412 alleles (0.00017%); highest among the groups gnomAD compares: Non-Finnish European, 0.00022%; no homozygotes.

Submissions (2):

GeneDx
Classification: Uncertain significance. Last evaluated: 2023-02-10. Review status: criteria provided, single submitter. Criteria: GeneDx Variant Classification Process June 2021. Collection method: clinical testing. Allele origin: germline. Affected: yes.
Comment: Not observed at significant frequency in large population cohorts (gnomAD); In silico analysis supports that this missense variant has a deleterious effect on protein structure/function; Has not been previously published as pathogenic or benign to our knowledge

Labcorp Genetics (formerly Invitae), Labcorp
Classification: Uncertain significance for Intellectual developmental disorder, X-linked 1. Last evaluated: 2022-09-01. Review status: criteria provided, single submitter. Criteria: Invitae Variant Classification Sherloc (09022015). Collection method: clinical testing. Allele origin: germline.
Comment: In summary, the available evidence is currently insufficient to determine the role of this variant in disease. Therefore, it has been classified as a Variant of Uncertain Significance. Advanced modeling of protein sequence and biophysical properties (such as structural, functional, and spatial information, amino acid conservation, physicochemical variation, residue mobility, and thermodynamic stability) performed at Invitae indicates that this missense variant is not expected to disrupt IQSEC2 protein function. This variant has not been reported in the literature in individuals affected with IQSEC2-related conditions. This variant is not present in population databases (gnomAD no frequency). This sequence change replaces proline, which is neutral and non-polar, with leucine, which is neutral and non-polar, at codon 642 of the IQSEC2 protein (p.Pro642Leu).